The following is an entry in ClinVar:

ClinVar aggregate classification (germline): Uncertain significance (1 of 4 stars; one submission).

Conditions:
Autosomal recessive limb-girdle muscular dystrophy type 2J (LGMDR10). Also called: Limb-girdle muscular dystrophy, type 2J; MUSCULAR DYSTROPHY, LIMB-GIRDLE, AUTOSOMAL RECESSIVE 10. Identifiers: Orphanet 140922, MedGen C1837342, MONDO:0012127, OMIM 608807.
Dilated cardiomyopathy 1G (CMD1G). Identifiers: Orphanet 154, MedGen C1858763, MONDO:0011400, OMIM 604145.

Allele frequency attached by ClinVar (database versions not stated): gnomAD exomes below 0.00001; gnomAD 0.00001; TOPMed 0.00001.
gnomAD v4.1: 6 of 1,613,418 alleles (0.00037%); highest among the groups gnomAD compares: African/African-American, 0.0053%; no homozygotes.

Submission:

Labcorp Genetics (formerly Invitae), Labcorp
Classification: Uncertain significance for Dilated cardiomyopathy 1G; Autosomal recessive limb-girdle muscular dystrophy type 2J. Last evaluated: 2025-05-25. Review status: criteria provided, single submitter. Criteria: Invitae Variant Classification Sherloc (09022015). Collection method: clinical testing. Allele origin: germline.
Comment: This sequence change replaces isoleucine, which is neutral and non-polar, with threonine, which is neutral and polar, at codon 34815 of the TTN protein (p.Ile34815Thr). This variant is present in population databases (no rsID available, gnomAD 0.004%). This variant has not been reported in the literature in individuals affected with TTN-related conditions. ClinVar contains an entry for this variant (Variation ID: 641397). Experimental studies and prediction algorithms are not available or were not evaluated, and the functional significance of this variant is currently unknown. This variant is located in the M band of TTN (PMID: 25589632). Non-truncating variants in this region may be relevant for neuromuscular disorders, but have not been definitively shown to cause cardiomyopathy (PMID: 23975875). In summary, the available evidence is currently insufficient to determine the role of this variant in disease. Therefore, it has been classified as a Variant of Uncertain Significance.

Literature cited by the submitters: PubMed 25589632; PubMed 23975875.

NM_001267550.2(TTN):c.104444T>C (p.Ile34815Thr)

Genes: TTN (titin; minus strand), TTN-AS1 (TTN antisense RNA 1; plus strand). Cytogenetic location: 2q31.2.
Variant type: single nucleotide variant.
Coding change: c.104444T>C on transcript NM_001267550.2 (MANE Select); coding-DNA position 104444, T replaced by C.
Protein change: p.Ile34815Thr; replaces isoleucine 34815 with threonine.
Molecular consequence: missense variant.
Genome position (GRCh38, 1-based): chr2:178,532,171, A>G on the plus strand (T>C on the coding strand, the complement: TTN is on the minus strand). VCF-style: chr2-178532171-A-G. GRCh37 (hg19) VCF-style: chr2-179396898-A-G.
Other names: c.99521T>C, p.Ile33174Thr (NM_001256850.1); c.77249T>C, p.Ile25750Thr (NM_003319.4); c.96740T>C, p.Ile32247Thr (NM_133378.4); c.77624T>C, p.Ile25875Thr (NM_133432.3); c.77825T>C, p.Ile25942Thr (NM_133437.4); short protein forms I25942T, I33174T, I25875T, I32247T, I34815T, I25750T.
Identifiers: ClinVar variation 641397 (VCV000641397.9), dbSNP rs908034780, ClinGen allele CA60956221.